The following is an entry in ClinVar:

NM_000038.6(APC):c.6653A>C (p.Gln2218Pro)

Gene: APC (APC regulator of Wnt signaling pathway; plus strand). Cytogenetic location: 5q22.2.
Variant type: single nucleotide variant.
Coding change: c.6653A>C on transcript NM_000038.6 (MANE Select); coding-DNA position 6653, A replaced by C.
Protein change: p.Gln2218Pro; replaces glutamine 2218 with proline.
Molecular consequence: missense variant.
Genome position (GRCh38, 1-based): chr5:112,842,247, A>C. VCF-style: chr5-112842247-A-C. GRCh37 (hg19) VCF-style: chr5-112177944-A-C.
Other names: c.6653A>C, p.Gln2218Pro (NM_001127510.3, NM_001354895.2, NM_001407450.1); c.6599A>C, p.Gln2200Pro (NM_001127511.3); c.6707A>C, p.Gln2236Pro (NM_001354896.2, NM_001407447.1, NM_001407448.1 and 1 more transcripts); c.6683A>C, p.Gln2228Pro (NM_001354897.2); c.6578A>C, p.Gln2193Pro (NM_001354898.2); c.6569A>C, p.Gln2190Pro (NM_001354899.2); c.6530A>C, p.Gln2177Pro (NM_001354900.2); c.6476A>C, p.Gln2159Pro (NM_001354901.2, NM_001407453.1); and 11 more; short protein forms Q2117P, Q2236P, Q1834P, Q2089P, Q2177P, Q2190P, Q2208P, Q2211P.
Identifiers: ClinVar variation 1754703 (VCV001754703.2), dbSNP rs2149969863, ClinGen allele CA16035884.
Genomic context (GRCh38, chr5:112,842,247, plus strand): 5'-TGATTACTGGAAAAGTTCGATCTAATTCAGAAATTTCAGGCCAAATGAAACAGCCCCTTC[A>C]AGCAAACATGCCTTCAATCTCTCGAGGCAGGACAATGATTCATATTCCAGGAGTTCGAAA-3'
Protein context (NP_000029.2, residues 2208-2228): EISGQMKQPL[Gln2218Pro]ANMPSISRGR

ClinVar aggregate classification (germline): Uncertain significance (1 of 4 stars; one submission).

Conditions:
Hereditary cancer-predisposing syndrome. Also called: Neoplastic Syndromes, Hereditary; Tumor predisposition; Hereditary Cancer Syndrome; Hereditary neoplastic syndrome. Identifiers: Orphanet 140162, MedGen C0027672, MeSH D009386, MONDO:0015356.

Submission:

Ambry Genetics
Classification: Uncertain significance for Hereditary cancer-predisposing syndrome. Last evaluated: 2015-06-26. Review status: criteria provided, single submitter. Criteria: Ambry Variant Classification Scheme 2023. Collection method: clinical testing. Allele origin: germline.
Comment: The p.Q2218P variant (also known as c.6653A>C), located in coding exon 15 of the APC gene, results from an A to C substitution at nucleotide position 6653. The glutamine at codon 2218 is replaced by proline, an amino acid with some similar properties. This variant was not reported in population based cohorts in the following databases: Database of Single Nucleotide Polymorphisms (dbSNP), NHLBI Exome Sequencing Project (ESP), and 1000 Genomes Project. In the ESP, this variant was not observed in 6484 samples (12968 alleles) with coverage at this position. To date, this alteration has been detected with an allele frequency of approximately 0.003% (greater than 3200 alleles tested) in our clinical cohort. This amino acid position is not well conserved in available vertebrate species. In addition, in silico predictors for this gene do not accurately predict pathogenicity. Since supporting evidence is limited at this time, the clinical significance of p.Q2218P remains unclear.